The following is an entry in ClinVar:

ClinVar aggregate classification (germline): Likely benign. Review status: criteria provided, multiple submitters, no conflicts (2 of 4 stars). 2 submissions from 2 submitters: Likely benign (2). Last evaluated 2026-09-21.

Conditions:
SCLT1-related disorder. Also called: SCLT1-related condition.

Allele frequency attached by ClinVar (database versions not stated): gnomAD exomes below 0.00001; TOPMed below 0.00001; ExAC 0.00001; gnomAD 0.00001.
gnomAD v4.1: 5 of 1,603,598 alleles (0.00031%); highest among the groups gnomAD compares: Non-Finnish European, 0.00042%; no homozygotes.

Submissions (2):

PreventionGenetics, part of Exact Sciences
Classification: Likely benign for SCLT1-related condition. Last evaluated: 2026-09-21. Review status: criteria provided, single submitter. Criteria: ACMG Guidelines, 2015. Collection method: clinical testing. Allele origin: germline.
Comment: This variant is classified as likely benign based on ACMG/AMP sequence variant interpretation guidelines (Richards et al. 2015 PMID: 25741868, with internal and published modifications).

Labcorp Genetics (formerly Invitae), Labcorp
Classification: Likely benign. Last evaluated: 2023-07-26. Review status: criteria provided, single submitter. Criteria: Invitae Variant Classification Sherloc (09022015). Collection method: clinical testing. Allele origin: germline.

NM_144643.4(SCLT1):c.1293+7A>C

Gene: SCLT1 (sodium channel and clathrin linker 1; minus strand). Cytogenetic location: 4q28.2.
Variant type: single nucleotide variant.
Coding change: c.1293+7A>C on transcript NM_144643.4 (MANE Select); 7 bases into the intron after coding-DNA position 1293, A replaced by C.
Molecular consequence: intron variant.
Genome position (GRCh38, 1-based): chr4:128,948,489, T>G on the plus strand (A>C on the coding strand, the complement: SCLT1 is on the minus strand). VCF-style: chr4-128948489-T-G. GRCh37 (hg19) VCF-style: chr4-129869644-T-G.
Other names: c.1293+7A>C (NM_144643.3).
Identifiers: ClinVar variation 1670738 (VCV001670738.9), dbSNP rs777292781, ClinGen allele CA3079671.